The following is an entry in ClinVar:

ClinVar aggregate classification (germline): Pathogenic (1 of 4 stars; one submission).

Conditions:
Neuromuscular disease caused by qualitative or quantitative defects of dystrophin. Also called: Qualitative or quantitative defects of dystrophin. Identifiers: Orphanet 207085, MedGen C5679787, MONDO:0016147.

Submission:

Women's Health and Genetics/Laboratory Corporation of America, LabCorp
Classification: Pathogenic for Neuromuscular disease caused by qualitative or quantitative defects of dystrophin. Last evaluated: 2023-02-23. Review status: criteria provided, single submitter. Criteria: LabCorp Variant Classification Summary - May 2015. Collection method: clinical testing. Allele origin: germline.
Comment: Variant summary: The variant identified by MLPA or other technology involves the deletion of exons 45-54 in the DMD gene. A presumed nomenclature of c.(6438+1_6439-1)_(8027+1_8028-1)del has been designated for the purposes of this classification. Although exact breakpoints of this deletion are not known, it is expected to result in a frameshift in the DMD gene, a known mechanism of disease. The variant was absent in 16120 control chromosomes (gnomAD, Structural Variants dataset). Deletion of exons 45-54 has been reported in the literature in multiple individuals affected with Dystrophinopathies (Example: Dent_2005, Ling_2020, Moizard_1998, Nallamilli_2021, Okubo_2016 etc.). These data indicate that the variant is very likely to be associated with disease. One clinical diagnostic laboratory has submitted clinical-significance assessments for this variant to ClinVar after 2014 and classified the variant as pathogenic. Based on the evidence outlined above, the variant was classified as pathogenic.

Literature cited by the submitters: PubMed 26911353; PubMed 15723292; PubMed 31705731; PubMed 33644936; PubMed 9800909.

NC_000023.10:g.(31645980_31676106)_(31986632_32235032)del

Genes: DMD (dystrophin; minus strand), LOC129391296 (MPRA-validated peak7373 silencer; plus strand), LOC129391297 (MPRA-validated peak7374 silencer; plus strand). Cytogenetic location: Xp21.1.
Variant type: Deletion.
Identifiers: ClinVar variation 2501026 (VCV002501026.1).